The following is an entry in ClinVar:

ClinVar aggregate classification (germline): Uncertain significance (1 of 4 stars; one submission).

Conditions:
Myopathy, proximal, and ophthalmoplegia (CMYO6). Also called: CONGENITAL MYOPATHY 6 WITH OPHTHALMOPLEGIA; INCLUSION BODY MYOPATHY 3, AUTOSOMAL DOMINANT; MYOPATHY WITH CONGENITAL JOINT CONTRACTURES, OPHTHALMOPLEGIA, AND RIMMED VACUOLES. Identifiers: Orphanet 363677, Orphanet 79091, MedGen C1854106, MONDO:0011577, OMIM 605637.

Allele frequency attached by ClinVar (database versions not stated): gnomAD exomes below 0.00001.
gnomAD v4.1: 1 of 1,614,212 alleles (0.000062%); highest among the groups gnomAD compares: Non-Finnish European, 0.000085%; no homozygotes.

Submission:

Labcorp Genetics (formerly Invitae), Labcorp
Classification: Uncertain significance for Myopathy, proximal, and ophthalmoplegia. Last evaluated: 2022-06-21. Review status: criteria provided, single submitter. Criteria: Invitae Variant Classification Sherloc (09022015). Collection method: clinical testing. Allele origin: germline.
Comment: In summary, the available evidence is currently insufficient to determine the role of this variant in disease. Therefore, it has been classified as a Variant of Uncertain Significance. Algorithms developed to predict the effect of missense changes on protein structure and function (SIFT, PolyPhen-2, Align-GVGD) all suggest that this variant is likely to be disruptive. This variant has not been reported in the literature in individuals affected with MYH2-related conditions. This variant is not present in population databases (gnomAD no frequency). This sequence change replaces aspartic acid, which is acidic and polar, with glycine, which is neutral and non-polar, at codon 464 of the MYH2 protein (p.Asp464Gly).

NM_017534.6(MYH2):c.1391A>G (p.Asp464Gly)

Genes: MYH2 (myosin heavy chain 2; minus strand), MYHAS (myosin heavy chain gene cluster antisense RNA; plus strand). Cytogenetic location: 17p13.1.
Variant type: single nucleotide variant.
Coding change: c.1391A>G on transcript NM_017534.6 (MANE Select); coding-DNA position 1391, A replaced by G.
Protein change: p.Asp464Gly; replaces aspartic acid 464 with glycine.
Molecular consequence: missense variant.
Genome position (GRCh38, 1-based): chr17:10,539,230, T>C on the plus strand (A>G on the coding strand, the complement: MYH2 is on the minus strand). VCF-style: chr17-10539230-T-C. GRCh37 (hg19) VCF-style: chr17-10442547-T-C.
Other names: c.1391A>G, p.Asp464Gly (NM_001100112.2); short protein forms D464G.
Identifiers: ClinVar variation 2008076 (VCV002008076.4), dbSNP rs2508456547, ClinGen allele CA398158632.
Genomic context (GRCh38, chr17:10,539,230, plus strand): 5'-TGTAAAATCCTCTCACCAATCAGCTACAAACTCACATCAAAAATCTCAAAACCAGCAATG[T>C]CCAAGACCCCGATGAAGTACTGCCTGGGCTGCTTGGTGTCCAGCTGCTGGTTGATGCGGG-3'
Protein context (NP_060004.3, residues 454-474): QPRQYFIGVL[Asp464Gly]IAGFEIFDFN